The following is an entry in ClinVar:

ClinVar aggregate classification (germline): Conflicting classifications of pathogenicity. Review status: criteria provided, conflicting classifications (1 of 4 stars). 8 submissions from 8 submitters: Uncertain significance (6); Benign (1); Likely benign (1). Last evaluated 2025-10-12.

Conditions:
BRCA2-related cancer predisposition. Identifiers: MedGen CN377758, MONDO:0700269.
Hereditary cancer-predisposing syndrome. Also called: Hereditary neoplastic syndrome; Tumor predisposition; Hereditary Cancer Syndrome; Neoplastic Syndromes, Hereditary. Identifiers: Orphanet 140162, MedGen C0027672, MeSH D009386, MONDO:0015356.
Hereditary breast ovarian cancer syndrome. Also called: Breast and ovarian cancer; Hereditary breast and ovarian cancer syndrome; Hereditary breast and ovarian cancer; Hereditary breast and ovarian cancer syndrome (HBOC); Hereditary breast and/or ovarian cancer syndrome; BRCA1- and BRCA2-Associated Hereditary Breast and Ovarian Cancer. Identifiers: Orphanet 145, MedGen C0677776, MeSH D061325, MONDO:0003582. Disease mechanism: loss of function.
Wilms tumor 1 (WT1). Also called: Wilms tumor, somatic. Identifiers: Orphanet 654, MedGen CN033288, MONDO:0008679, OMIM 194070.
Fanconi anemia complementation group D1. Also called: BRCA2-Related Fanconi Anemia. Identifiers: Orphanet 319462, MedGen C1838457, MONDO:0011584, OMIM 605724.
Prostate cancer. Also called: Malignant tumor of prostate. Identifiers: Orphanet 1331, MedGen C0376358, MONDO:0008315, HP:0012125.
Familial cancer of breast. Also called: BREAST CANCER, FAMILIAL; hereditary breast carcinoma; Hereditary breast cancer. Identifiers: Orphanet 227535, MedGen C0346153, MONDO:0016419, OMIM 114480. Disease mechanism: loss of function.
Breast-ovarian cancer, familial, susceptibility to, 2 (BROVCA2). Also called: BRCA2 Hereditary Breast and Ovarian Cancer. Identifiers: Orphanet 145, MedGen C2675520, MONDO:0012933, OMIM 612555. Disease mechanism: loss of function.
Medulloblastoma (MDB). Also called: MEDULLOBLASTOMA PREDISPOSITION SYNDROME; Medulloblastoma, somatic. Identifiers: Orphanet 616, MedGen C0025149, MeSH D008527, MONDO:0007959, OMIM 155255, HP:0002885.
Pancreatic cancer, susceptibility to, 2. Identifiers: Orphanet 1333, MedGen C3150546, MONDO:0013235, OMIM 613347.
Glioma susceptibility 3 (GLM3). Also called: Glioblastoma 3. Identifiers: Orphanet 182067, Orphanet 360, MedGen C2751641, MONDO:0013093, OMIM 613029.

Allele frequency attached by ClinVar (database versions not stated): gnomAD exomes below 0.00001 and 0.00001; TOPMed below 0.00001; ExAC 0.00001.
gnomAD v4.1: 8 of 1,613,922 alleles (0.0005%); highest among the groups gnomAD compares: African/African-American, 0.0053%; no homozygotes.

Submissions (8):

Labcorp Genetics (formerly Invitae), Labcorp
Classification: Uncertain significance for Hereditary breast ovarian cancer syndrome. Last evaluated: 2025-10-12. Review status: criteria provided, single submitter. Criteria: Invitae Variant Classification Sherloc (09022015). Collection method: clinical testing. Allele origin: germline.
Comment: This sequence change replaces glutamic acid, which is acidic and polar, with lysine, which is basic and polar, at codon 2565 of the BRCA2 protein (p.Glu2565Lys). This variant is present in population databases (rs764761862, gnomAD 0.0009%). This variant has not been reported in the literature in individuals affected with BRCA2-related conditions. ClinVar contains an entry for this variant (Variation ID: 441448). Invitae Evidence Modeling of protein sequence and biophysical properties (such as structural, functional, and spatial information, amino acid conservation, physicochemical variation, residue mobility, and thermodynamic stability) indicates that this missense variant is not expected to disrupt BRCA2 protein function with a negative predictive value of 95%. In summary, the available evidence is currently insufficient to determine the role of this variant in disease. Therefore, it has been classified as a Variant of Uncertain Significance.

Molecular Pathology, Peter Maccallum Cancer Centre
Classification: Uncertain significance for Breast-ovarian cancer, familial, susceptibility to, 2. Last evaluated: 2025-04-17. Review status: criteria provided, single submitter. Criteria: ACMG Guidelines, 2015. Collection method: clinical testing. Allele origin: germline. Inheritance: Autosomal dominant inheritance.

Ambry Genetics
Classification: Benign for Hereditary cancer-predisposing syndrome. Last evaluated: 2025-04-04. Review status: criteria provided, single submitter. Criteria: Ambry Variant Classification Scheme 2023. Collection method: clinical testing. Allele origin: germline.

CeGaT Center for Human Genetics Tuebingen
Classification: Likely benign. Last evaluated: 2025-02-01. Review status: criteria provided, single submitter. Criteria: CeGaT Center For Human Genetics Tuebingen Variant Classification Criteria Version 2. Collection method: clinical testing. Allele origin: germline. Affected: yes. Observed: 1 variant allele.
Comment: BRCA2: BP1, BP4

All of Us Research Program, National Institutes of Health
Classification: Uncertain significance for BRCA2-related cancer predisposition. Last evaluated: 2024-08-30. Review status: criteria provided, single submitter. Criteria: ACMG Guidelines, 2015. Collection method: clinical testing. Allele origin: germline. Inheritance: Autosomal dominant inheritance. Observed: 1 variant allele, 1 heterozygote.
Comment: This missense variant replaces glutamic acid with lysine at codon 2565 of the BRCA2 protein. Computational prediction suggests that this variant may not impact protein structure and function. To our knowledge, functional studies have not been reported for this variant. This variant has not been reported in individuals affected with BRCA2-related disorders in the literature. This variant has been identified in 1/251324 chromosomes in the general population by the Genome Aggregation Database (gnomAD). The available evidence is insufficient to determine the role of this variant in disease conclusively. Therefore, this variant is classified as a Variant of Uncertain Significance.

This study involves interpretation of variants in research participants for the purpose of population health screening. Participant phenotype was not available at the time of variant classification. Additional details can be found in publication PMID: 35346344, PMCID: PMC8962531

Quest Diagnostics Nichols Institute San Juan Capistrano
Classification: Uncertain significance. Last evaluated: 2024-08-02. Review status: criteria provided, single submitter. Criteria: Quest Diagnostics criteria. Collection method: clinical testing. Allele origin: unknown.
Comment: The BRCA2 c.7693G>A (p.Glu2565Lys) variant has not been reported in individuals with BRCA2-related conditions in the published literature. The frequency of this variant in the general population, 0.000004 (1/251324 chromosomes (Genome Aggregation Database)), is uninformative in the assessment of its pathogenicity. Analysis of this variant using bioinformatics tools for the prediction of the effect of amino acid changes on protein structure and function yielded predictions that this variant is benign. Based on the available information, we are unable to determine the clinical significance of this variant.

Color Diagnostics, LLC DBA Color Health
Classification: Uncertain significance for Hereditary cancer-predisposing syndrome. Last evaluated: 2023-12-21. Review status: criteria provided, single submitter. Criteria: ACMG Guidelines, 2015. Collection method: clinical testing. Allele origin: germline.
Comment: This missense variant replaces glutamic acid with lysine at codon 2565 of the BRCA2 protein. Computational prediction suggests that this variant may not impact protein structure and function. To our knowledge, functional studies have not been reported for this variant. This variant has not been reported in individuals affected with BRCA2-related disorders in the literature. This variant has been identified in 1/251324 chromosomes in the general population by the Genome Aggregation Database (gnomAD). The available evidence is insufficient to determine the role of this variant in disease conclusively. Therefore, this variant is classified as a Variant of Uncertain Significance.

Fulgent Genetics
Classification: Uncertain significance for Familial cancer of breast; Medulloblastoma; Familial prostate cancer; Wilms tumor 1; Fanconi anemia complementation group D1; Breast-ovarian cancer, familial, susceptibility to, 2; Glioma susceptibility 3; Pancreatic cancer, susceptibility to, 2. Last evaluated: 2018-10-31. Review status: criteria provided, single submitter. Criteria: ACMG Guidelines, 2015. Collection method: clinical testing. Allele origin: unknown.

Literature cited by the submitters: PubMed 39779848 (cited by Ambry Genetics); PubMed 39779857 (cited by Ambry Genetics); PubMed 30603682 (cited by Quest Diagnostics Nichols Institute San Juan Capistrano).

NM_000059.4(BRCA2):c.7693G>A (p.Glu2565Lys)

Gene: BRCA2 (BRCA2 DNA repair associated; plus strand). Cytogenetic location: 13q13.1.
Variant type: single nucleotide variant.
Coding change: c.7693G>A on transcript NM_000059.4 (MANE Select); coding-DNA position 7693, G replaced by A.
Protein change: p.Glu2565Lys; replaces glutamic acid 2565 with lysine.
Molecular consequence: missense variant.
Genome position (GRCh38, 1-based): chr13:32,357,817, G>A. VCF-style: chr13-32357817-G-A. GRCh37 (hg19) VCF-style: chr13-32931954-G-A.
Other names: short protein forms E2565K.
Identifiers: ClinVar variation 441448 (VCV000441448.33), dbSNP rs764761862, ClinGen allele CA6941133.